The following is an entry in ClinVar:

NM_001844.5(COL2A1):c.1995+1G>T

Gene: COL2A1 (collagen type II alpha 1 chain; minus strand). Cytogenetic location: 12q13.11.
Variant type: single nucleotide variant.
Coding change: c.1995+1G>T on transcript NM_001844.5 (MANE Select); the canonical splice donor site of the intron after coding-DNA position 1995, G replaced by T.
Molecular consequence: splice donor variant.
Genome position (GRCh38, 1-based): chr12:47,983,682, C>A on the plus strand (G>T on the coding strand, the complement: COL2A1 is on the minus strand). VCF-style: chr12-47983682-C-A. GRCh37 (hg19) VCF-style: chr12-48377465-C-A.
Other names: c.1995+1G>T (NM_001844.4); c.1788+1G>T (NM_033150.3).
Identifiers: ClinVar variation 1451223 (VCV001451223.7), dbSNP rs2136556600, ClinGen allele CA384548272.

ClinVar aggregate classification (germline): Pathogenic/Likely pathogenic. Review status: criteria provided, multiple submitters, no conflicts (2 of 4 stars). 2 submissions from 2 submitters: Pathogenic (1); Likely pathogenic (1). Last evaluated 2023-05-15.

Conditions:
COL2A1-related disorder. Also called: COL2A1-related condition; COL2A1-related disorders.

Submissions (2):

PreventionGenetics, part of Exact Sciences
Classification: Likely pathogenic for COL2A1-related condition. Last evaluated: 2023-05-15. Review status: criteria provided, single submitter. Criteria: ACMG Guidelines, 2015. Collection method: clinical testing. Allele origin: germline.
Comment: The COL2A1 c.1995+1G>T variant is predicted to disrupt the GT donor site and interfere with normal splicing. A different variant affecting the same nucleotide (c.1995+1G>A) was reported in one individual with Stickler syndrome (Kondo. 2016. PubMed ID: 27408751). This variant has not been reported in the literature or in a large population database, indicating this variant is rare. Variants that disrupt the consensus splice donor site in COL2A1 are expected to be pathogenic. This variant is interpreted as likely pathogenic.

Labcorp Genetics (formerly Invitae), Labcorp
Classification: Pathogenic. Last evaluated: 2022-03-27. Review status: criteria provided, single submitter. Criteria: Invitae Variant Classification Sherloc (09022015). Collection method: clinical testing. Allele origin: germline.
Comment: For these reasons, this variant has been classified as Pathogenic. Algorithms developed to predict the effect of sequence changes on RNA splicing suggest that this variant may disrupt the consensus splice site. Disruption of this splice site has been observed in individuals with clinical features of Stickler syndrome (PMID: 27408751; Invitae). This variant is not present in population databases (gnomAD no frequency). This sequence change affects a donor splice site in intron 30 of the COL2A1 gene. It is expected to disrupt RNA splicing. Variants that disrupt the donor or acceptor splice site typically lead to a loss of protein function (PMID: 16199547), and loss-of-function variants in COL2A1 are known to be pathogenic (PMID: 20179744).

Literature cited by the submitters: PubMed 27408751 (cited by Labcorp Genetics (formerly Invitae), Labcorp); PubMed 16199547 (cited by Labcorp Genetics (formerly Invitae), Labcorp); PubMed 20179744 (cited by Labcorp Genetics (formerly Invitae), Labcorp).